The following is an entry in ClinVar:

NM_001330588.2(TPP2):c.2952+10A>G

Gene: TPP2 (tripeptidyl peptidase 2; plus strand). Cytogenetic location: 13q33.1.
Variant type: single nucleotide variant.
Coding change: c.2952+10A>G on transcript NM_001330588.2 (MANE Select); 10 bases into the intron after coding-DNA position 2952, A replaced by G.
Molecular consequence: intron variant.
Genome position (GRCh38, 1-based): chr13:102,649,496, A>G. VCF-style: chr13-102649496-A-G. GRCh37 (hg19) VCF-style: chr13-103301846-A-G.
Other names: p.?; c.2952+10A>G (NM_001367947.1, NM_003291.4, LRG_1341t1 and 1 more transcripts).
Identifiers: ClinVar variation 478053 (VCV000478053.15), dbSNP rs2053868, ClinGen allele CA7038114.
Genomic context (GRCh38, chr13:102,649,496, plus strand): 5'-TATCTTGCAGGATCCTTAACATTGTCAAAGACTGAACTAGGAAAGAAAGCTGTAAGTATT[A>G]GTTTTTTAAACACTGAAATTACCTATTAAAAAATTTCATTTCTTTAAAGATAAGAATTAA-3'

ClinVar aggregate classification (germline): Benign. Review status: criteria provided, multiple submitters, no conflicts (2 of 4 stars). 3 submissions from 3 submitters: Benign (2). 1 of the submissions does not count toward it. Last evaluated 2026-01-26.

Conditions:
TPP2-related disorder. Also called: TPP2-related condition.
Evans syndrome, immunodeficiency, and premature immunosenescence associated with tripeptidyl-peptidase II deficiency. Identifiers: MedGen CN231723. Disease mechanism: loss of function.

Allele frequency attached by ClinVar (database versions not stated): gnomAD exomes 0.00053 and 0.00151; ExAC 0.00179; gnomAD 0.00527 and 0.00566; ESP Exome Variant Server 0.00600; TOPMed 0.00605; 1000 Genomes Project 0.00679; 1000 Genomes Project 30x 0.00796.
gnomAD v4.1: 1,630 of 1,598,738 alleles (0.1%); highest among the groups gnomAD compares: African/African-American, 1.8%; 10 homozygotes.

Submissions (3):

Labcorp Genetics (formerly Invitae), Labcorp
Classification: Benign for Evans syndrome, immunodeficiency, and premature immunosenescence associated with tripeptidyl-peptidase II deficiency. Last evaluated: 2026-01-26. Review status: criteria provided, single submitter. Criteria: Invitae Variant Classification Sherloc (09022015). Collection method: clinical testing. Allele origin: germline.

Mayo Clinic Laboratories, Mayo Clinic
Classification: Benign. Last evaluated: 2024-11-18. Review status: criteria provided, single submitter. Criteria: ACMG Guidelines, 2015. Collection method: clinical testing. Allele origin: germline. Observed: 3 variant alleles.
Comment: BS1, BS2, BP4, BP7

PreventionGenetics, part of Exact Sciences
Classification: Benign for TPP2-related condition. Last evaluated: 2019-02-19. Review status: no assertion criteria provided. Collection method: clinical testing. Allele origin: germline. Not counted in ClinVar's aggregate classification.
Comment: This variant is classified as benign based on ACMG/AMP sequence variant interpretation guidelines (Richards et al. 2015 PMID: 25741868, with internal and published modifications).